The following is an entry in ClinVar:

NM_004360.5(CDH1):c.1138-13C>G

Gene: CDH1 (cadherin 1; plus strand). Cytogenetic location: 16q22.1.
Variant type: single nucleotide variant.
Coding change: c.1138-13C>G on transcript NM_004360.5 (MANE Select); 13 bases into the intron before coding-DNA position 1138, C replaced by G.
Molecular consequence: intron variant.
Genome position (GRCh38, 1-based): chr16:68,813,300, C>G. VCF-style: chr16-68813300-C-G. GRCh37 (hg19) VCF-style: chr16-68847203-C-G.
Other names: c.-478-13C>G (NM_001317185.2); c.-682-13C>G (NM_001317186.2); c.1137+1037C>G (NM_001317184.2).
Identifiers: ClinVar variation 491489 (VCV000491489.13), dbSNP rs1399457483, ClinGen allele CA623574719.

ClinVar aggregate classification (germline): Conflicting classifications of pathogenicity. Review status: criteria provided, conflicting classifications (1 of 4 stars). 4 submissions from 4 submitters: Uncertain significance (1); Benign (1); Likely benign (2). Last evaluated 2026-01-10.

Conditions:
Hereditary cancer-predisposing syndrome. Also called: Tumor predisposition; Neoplastic Syndromes, Hereditary; Hereditary Cancer Syndrome; Hereditary neoplastic syndrome. Identifiers: Orphanet 140162, MedGen C0027672, MeSH D009386, MONDO:0015356.
Hereditary diffuse gastric adenocarcinoma (HDGC). Also called: DIFFUSE GASTRIC AND LOBULAR BREAST CANCER SYNDROME. Identifiers: Orphanet 26106, MedGen C1708349, MONDO:0007648, OMIM 137215.

Allele frequency attached by ClinVar (database versions not stated): TOPMed below 0.00001; gnomAD exomes 0.00001.
gnomAD v4.1: 22 of 1,613,956 alleles (0.0014%); highest among the groups gnomAD compares: Non-Finnish European, 0.0018%; no homozygotes.

Submissions (4):

Labcorp Genetics (formerly Invitae), Labcorp
Classification: Likely benign for Hereditary diffuse gastric adenocarcinoma. Last evaluated: 2026-01-10. Review status: criteria provided, single submitter. Criteria: Invitae Variant Classification Sherloc (09022015). Collection method: clinical testing. Allele origin: germline.

European Reference Network on Genetic Tumour Risk Syndromes (ERN-GENTURIS), i3s - Instituto de Investigação e Inovação em Saúde, University of Porto
Classification: Uncertain significance for Hereditary diffuse gastric adenocarcinoma. Last evaluated: 2022-08-01. Review status: criteria provided, single submitter. Criteria: Lee et al. (Hum Mutat. 2018). Collection method: clinical testing. Allele origin: germline. Inheritance: Autosomal dominant inheritance. Affected: no. Study: ERN GENTURIS.
Comment: PM2 (PMID: 30311375)

Color Diagnostics, LLC DBA Color Health
Classification: Likely benign for Hereditary cancer-predisposing syndrome. Last evaluated: 2016-03-06. Review status: criteria provided, single submitter. Criteria: ACMG Guidelines, 2015. Collection method: clinical testing. Allele origin: germline.

GeneDx
Classification: Benign. Last evaluated: 2015-06-25. Review status: criteria provided, single submitter. Criteria: GeneDx Variant Classification Process June 2021. Collection method: clinical testing. Allele origin: germline. Affected: yes.

Literature cited by the submitters: PubMed 36436516 (cited by European Reference Network on Genetic Tumour Risk Syndromes (ERN-GENTURIS), i3s - Instituto de Investigação e Inovação em Saúde, University of Porto).